The following is an entry in ClinVar:

ClinVar aggregate classification (germline): Uncertain significance (1 of 4 stars; one submission).

Submission:

Women's Health and Genetics/Laboratory Corporation of America, LabCorp
Classification: Uncertain significance. Last evaluated: 2023-11-17. Review status: criteria provided, single submitter. Criteria: LabCorp Variant Classification Summary - May 2015. Collection method: clinical testing. Allele origin: germline.
Comment: Variant summary: TMEM67 c.2184_2185ins33 (p.Ser728_Cys729insHisCysThrProAlaTrpValThrGluArgAsp) results in an in-frame insertion that is predicted to insert eleven amino acids into the encoded protein. The variant was absent in 251340 control chromosomes. The available data on variant occurrences in the general population are insufficient to allow any conclusion about variant significance. To our knowledge, no occurrence of c.2184_2185ins33 in individuals affected with Joubert Syndrome 6 and no experimental evidence demonstrating its impact on protein function have been reported. No submitters have cited clinical-significance assessments for this variant to ClinVar after 2014. Based on the evidence outlined above, the variant was classified as uncertain significance.

NM_153704.6(TMEM67):c.2184_2185insCACTGCACTCCAGCCTGGGTGACAGAGCGGGAC (p.Ser728_Cys729insHisCysThrProAlaTrpValThrGluArgAsp)

Gene: TMEM67 (transmembrane protein 67; plus strand). Cytogenetic location: 8q22.1.
Variant type: Insertion.
Coding change: c.2184_2185insCACTGCACTCCAGCCTGGGTGACAGAGCGGGAC on transcript NM_153704.6 (MANE Select); coding-DNA positions 2184 to 2185, CACTGCACTCCAGCCTGGGTGACAGAGCGGGAC inserted.
Protein change: p.Ser728_Cys729insHisCysThrProAlaTrpValThrGluArgAsp.
Molecular consequence: inframe insertion. On other transcripts: non-coding transcript variant (1).
Genome position: GRCh38: chr8:93,799,701-93,799,702. GRCh37 (hg19): chr8:94,811,929-94,811,930.
Other names: c.1941_1942insCACTGCACTCCAGCCTGGGTGACAGAGCGGGAC, p.Ser647_Cys648insHisCysThrProAlaTrpValThrGluArgAsp (NM_001142301.1).
Identifiers: ClinVar variation 2577196 (VCV002577196.2), dbSNP rs2536912574, ClinGen allele CA2580617198.